The following is an entry in ClinVar:

NM_006949.4(STXBP2):c.1598G>A (p.Arg533Gln)

Gene: STXBP2 (syntaxin binding protein 2; plus strand). Cytogenetic location: 19p13.2.
Variant type: single nucleotide variant.
Coding change: c.1598G>A on transcript NM_006949.4 (MANE Select); coding-DNA position 1598, G replaced by A.
Protein change: p.Arg533Gln; replaces arginine 533 with glutamine.
Molecular consequence: missense variant. On other transcripts: non-coding transcript variant (1).
Genome position (GRCh38, 1-based): chr19:7,647,413, G>A. VCF-style: chr19-7647413-G-A. GRCh37 (hg19) VCF-style: chr19-7712299-G-A.
Other names: c.1589G>A, p.Arg530Gln (NM_001127396.3); c.1631G>A, p.Arg544Gln (NM_001272034.2); c.1598G>A (NM_006949.2); short protein forms R533Q, R530Q, R544Q.
Identifiers: ClinVar variation 665421 (VCV000665421.5), dbSNP rs147455069, ClinGen allele CA9144274.

ClinVar aggregate classification (germline): Uncertain significance. Review status: criteria provided, multiple submitters, no conflicts (2 of 4 stars). 2 submissions from 2 submitters: Uncertain significance (2). Last evaluated 2024-11-19.

Conditions:
Inborn genetic diseases. Identifiers: MedGen C0950123, MeSH D030342.
Familial hemophagocytic lymphohistiocytosis 5. Also called: STXBP2-Related Familial Hemophagocytic Lymphohistiocytosis (STXBP2-fHLH). Identifiers: Orphanet 540, MedGen C2751293, MONDO:0013135, OMIM 613101.

Allele frequency attached by ClinVar (database versions not stated): TOPMed 0.00001; gnomAD 0.00002 and 0.00003; gnomAD exomes 0.00002 and 0.00003; ExAC 0.00005; ESP Exome Variant Server 0.00008.
gnomAD v4.1: 27 of 1,613,414 alleles (0.0017%); highest among the groups gnomAD compares: South Asian, 0.016%; no homozygotes.

Submissions (2):

Ambry Genetics
Classification: Uncertain significance for Inborn genetic diseases. Last evaluated: 2024-11-19. Review status: criteria provided, single submitter. Criteria: Ambry Variant Classification Scheme 2023. Collection method: clinical testing. Allele origin: germline.

Labcorp Genetics (formerly Invitae), Labcorp
Classification: Uncertain significance for Familial hemophagocytic lymphohistiocytosis 5. Last evaluated: 2022-08-23. Review status: criteria provided, single submitter. Criteria: Invitae Variant Classification Sherloc (09022015). Collection method: clinical testing. Allele origin: germline.
Comment: This sequence change replaces arginine, which is basic and polar, with glutamine, which is neutral and polar, at codon 533 of the STXBP2 protein (p.Arg533Gln). This variant is present in population databases (rs147455069, gnomAD 0.02%). This variant has not been reported in the literature in individuals affected with STXBP2-related conditions. ClinVar contains an entry for this variant (Variation ID: 665421). Algorithms developed to predict the effect of missense changes on protein structure and function are either unavailable or do not agree on the potential impact of this missense change (SIFT: "Deleterious"; PolyPhen-2: "Benign"; Align-GVGD: "Class C0"). Algorithms developed to predict the effect of sequence changes on RNA splicing suggest that this variant may create or strengthen a splice site. In summary, the available evidence is currently insufficient to determine the role of this variant in disease. Therefore, it has been classified as a Variant of Uncertain Significance.